The following is an entry in ClinVar:

NM_007186.6(CEP250):c.4100C>T (p.Ala1367Val)

Gene: CEP250 (centrosomal protein 250; plus strand). Cytogenetic location: 20q11.22.
Variant type: single nucleotide variant.
Coding change: c.4100C>T on transcript NM_007186.6 (MANE Select); coding-DNA position 4100, C replaced by T.
Protein change: p.Ala1367Val; replaces alanine 1367 with valine.
Molecular consequence: missense variant.
Genome position (GRCh38, 1-based): chr20:35,502,469, C>T. VCF-style: chr20-35502469-C-T. GRCh37 (hg19) VCF-style: chr20-34090297-C-T.
Other names: c.2204C>T, p.Ala735Val (NM_001318219.1); short protein forms A1367V, A735V.
Identifiers: ClinVar variation 1525398 (VCV001525398.7), dbSNP rs1382731258, ClinGen allele CA408747218.

ClinVar aggregate classification (germline): Uncertain significance. Review status: criteria provided, multiple submitters, no conflicts (2 of 4 stars). 2 submissions from 2 submitters: Uncertain significance (2). Last evaluated 2020-11-13.

Allele frequency attached by ClinVar (database versions not stated): gnomAD exomes below 0.00001 and 0.00001.
gnomAD v4.1: 3 of 1,614,148 alleles (0.00019%); highest among the groups gnomAD compares: South Asian, 0.0022%; no homozygotes.

Submissions (2):

Labcorp Genetics (formerly Invitae), Labcorp
Classification: Uncertain significance. Last evaluated: 2020-11-13. Review status: criteria provided, single submitter. Criteria: Invitae Variant Classification Sherloc (09022015). Collection method: clinical testing. Allele origin: germline.
Comment: In summary, the available evidence is currently insufficient to determine the role of this variant in disease. Therefore, it has been classified as a Variant of Uncertain Significance. Algorithms developed to predict the effect of missense changes on protein structure and function are either unavailable or do not agree on the potential impact of this missense change (SIFT: "Not Available"; PolyPhen-2: "Probably Damaging"; Align-GVGD: "Not Available"). This variant has not been reported in the literature in individuals with CEP250-related conditions. This variant is not present in population databases (ExAC no frequency). This sequence change replaces alanine with valine at codon 1367 of the CEP250 protein (p.Ala1367Val). The alanine residue is moderately conserved and there is a small physicochemical difference between alanine and valine.

Breakthrough Genomics
Classification: Uncertain significance. Review status: criteria provided, single submitter. Criteria: ACMG Guidelines, 2015. Collection method: not provided. Allele origin: germline. Inheritance: Autosomal dominant inheritance. Affected: yes.